The following is an entry in ClinVar:

ClinVar aggregate classification (germline): Likely benign. Review status: criteria provided, multiple submitters, no conflicts (2 of 4 stars). 2 submissions from 2 submitters: Likely benign (2). Last evaluated 2024-07-02.

Conditions:
Sialuria. Also called: Sialic Acid Storage Disease; SIALURIA, FRENCH TYPE. Identifiers: Orphanet 3166, MedGen C0342853, MONDO:0010028, OMIM 269921.
GNE myopathy (NM). Also called: INCLUSION BODY MYOPATHY, HEREDITARY, AUTOSOMAL RECESSIVE; INCLUSION BODY MYOPATHY 2, AUTOSOMAL RECESSIVE; MYOPATHY, DISTAL, WITH OR WITHOUT RIMMED VACUOLES; IBM 2; Inclusion body myopathy autosomal recessive; Inclusion body myopathy quadriceps sparing. Identifiers: Orphanet 602, MedGen C1853926, MONDO:0011603, OMIM 605820.

Allele frequency attached by ClinVar (database versions not stated): gnomAD exomes below 0.00001; TOPMed below 0.00001; ExAC 0.00001.
gnomAD v4.1: 5 of 1,614,090 alleles (0.00031%); highest among the groups gnomAD compares: East Asian, 0.0022%; no homozygotes.

Submissions (2):

Labcorp Genetics (formerly Invitae), Labcorp
Classification: Likely benign for Sialuria; GNE myopathy. Last evaluated: 2024-07-02. Review status: criteria provided, single submitter. Criteria: Invitae Variant Classification Sherloc (09022015). Collection method: clinical testing. Allele origin: germline.

CeGaT Center for Human Genetics Tuebingen
Classification: Likely benign. Last evaluated: 2023-04-01. Review status: criteria provided, single submitter. Criteria: CeGaT Center For Human Genetics Tuebingen Variant Classification Criteria Version 2. Collection method: clinical testing. Allele origin: germline. Affected: yes. Observed: 1 variant allele.
Comment: GNE: BP4, BP7

NM_005476.7(GNE):c.81G>A (p.Pro27=)

Gene: GNE (glucosamine (UDP-N-acetyl)-2-epimerase/N-acetylmannosamine kinase; minus strand). Cytogenetic location: 9p13.3.
Variant type: single nucleotide variant.
Coding change: c.81G>A on transcript NM_005476.7 (MANE Select); coding-DNA position 81, G replaced by A.
Protein change: p.Pro27=; no amino-acid change (proline 27 retained).
Molecular consequence: synonymous variant. On other transcripts: intron variant (3).
Genome position (GRCh38, 1-based): chr9:36,249,275, C>T on the plus strand (G>A on the coding strand, the complement: GNE is on the minus strand). VCF-style: chr9-36249275-C-T. GRCh37 (hg19) VCF-style: chr9-36249272-C-T.
Other names: c.174G>A, p.Pro58= (NM_001128227.3); c.81G>A, p.Pro27= (NM_001190383.3, NM_001374797.1); c.-13-2793G>A (NM_001190388.2, NM_001190384.3, NM_001374798.1).
Identifiers: ClinVar variation 1535055 (VCV001535055.31), dbSNP rs768397785, ClinGen allele CA5056774.